The following is an entry in ClinVar:

ClinVar aggregate classification (germline): Likely pathogenic (1 of 4 stars; one submission).

Conditions:
Autism spectrum disorder - epilepsy - arthrogryposis syndrome (AMRS). Identifiers: Orphanet 370943, MedGen C3809910, MONDO:0014248, OMIM 615553.

Submission:

Natera, Inc.
Classification: Likely pathogenic for Arthrogryposis, mental retardation, and seizures. Last evaluated: 2024-06-21. Review status: criteria provided, single submitter. Criteria: Natera Variant Classification Schema (03/2026). Collection method: clinical testing. Allele origin: germline.
Comment: The c.599_602delCAAA variant in SLC35A3 is a frameshift variant predicted to shift the reading frame beginning at codon 200 and leads to a stop codon 6 codons downstream. This variant is expected to result in nonsense mediated decay, truncation, or a dysfunctional protein product. This variant is rare in the general population with a frequency below the threshold expected for the associated phenotype(s). Given the available evidence, this variant is classified as Likely Pathogenic.

NM_012243.3(SLC35A3):c.599_602del (p.Thr200fs)

Gene: SLC35A3 (solute carrier family 35 member A3; plus strand). Cytogenetic location: 1p21.2.
Variant type: Deletion.
Coding change: c.599_602del on transcript NM_012243.3 (MANE Select); coding-DNA positions 599 to 602, 4 bases deleted (CAAA; older notation c.599_602delCAAA).
Protein change: p.Thr200fs; shifts the reading frame from threonine 200.
Molecular consequence: frameshift variant.
Genome position (GRCh38, 1-based): chr1:100,011,498-100,011,501, CAAA deleted; deleting any 4 consecutive bases within chr1:100,011,495-100,011,501 gives the same sequence; the c. name uses the placement nearest the transcript's 3' end. VCF-style (leftmost placement, unchanged base first): chr1-100011494-GAAAC-G. GRCh37 (hg19) VCF-style: chr1-100477050-GAAAC-G.
Other names: c.599_602del, p.Thr200fs (NM_001271684.2, NM_001438725.1, NM_001438728.1); c.725_728del, p.Thr242fs (NM_001271685.2); c.476_479del, p.Thr159fs (NM_001437713.1, NM_001437717.1, NM_001438729.1); short protein forms T159fs, T200fs, T242fs.
Identifiers: ClinVar variation 4815561 (VCV004815561.1).